The following is an entry in ClinVar:

NM_001276345.2(TNNT2):c.487G>T (p.Ala163Ser)

Gene: TNNT2 (troponin T2, cardiac type; minus strand). Cytogenetic location: 1q32.1.
Variant type: single nucleotide variant.
Coding change: c.487G>T on transcript NM_001276345.2 (MANE Select); coding-DNA position 487, G replaced by T.
Protein change: p.Ala163Ser; replaces alanine 163 with serine.
Molecular consequence: missense variant.
Genome position (GRCh38, 1-based): chr1:201,364,300, C>A on the plus strand (G>T on the coding strand, the complement: TNNT2 is on the minus strand). VCF-style: chr1-201364300-C-A. GRCh37 (hg19) VCF-style: chr1-201333428-C-A.
Other names: c.487G>T, p.Ala163Ser (NM_000364.4); c.457G>T, p.Ala153Ser (NM_001001430.3, NM_001001431.3, NM_001276347.2); c.442G>T, p.Ala148Ser (NM_001001432.3); c.367G>T, p.Ala123Ser (NM_001276346.2); short protein forms A148S, A163S, A123S, A153S.
Identifiers: ClinVar variation 961661 (VCV000961661.16), dbSNP rs727505030, ClinGen allele CA344205562.

ClinVar aggregate classification (germline): Uncertain significance. Review status: criteria provided, multiple submitters, no conflicts (2 of 4 stars). 9 submissions from 7 submitters: Uncertain significance (9). Last evaluated 2026-03-23.

Conditions:
TNNT2-related disorder. Also called: TNNT2-related condition.
Cardiomyopathy, familial restrictive, 3. Identifiers: Orphanet 75249, MedGen C2676271, MONDO:0012900, OMIM 612422.
Hypertrophic cardiomyopathy 2. Also called: TNNT2-Related Familial Hypertrophic Cardiomyopathy. Identifiers: MedGen C1861864, MONDO:0007266, OMIM 115195.
Dilated cardiomyopathy 1D. Identifiers: Orphanet 154, Orphanet 54260, MedGen C1832243, MONDO:0011095, OMIM 601494.
Cardiovascular phenotype. Identifiers: MedGen CN230736.
Cardiomyopathy (CMYO). Also called: Cardiomyopathies. Identifiers: Orphanet 167848, MedGen C0878544, MONDO:0004994, HP:0001638. Inheritance: Various modes of inheritance.

Allele frequency attached by ClinVar (database versions not stated): gnomAD exomes below 0.00001 and 0.00001.
gnomAD v4.1: 6 of 1,612,158 alleles (0.00037%); highest among the groups gnomAD compares: Admixed American, 0.01%; no homozygotes.

Submissions (9):

PreventionGenetics, part of Exact Sciences
Classification: Uncertain significance for TNNT2-related condition. Last evaluated: 2026-03-23. Review status: criteria provided, single submitter. Criteria: ACMG Guidelines, 2015. Collection method: clinical testing. Allele origin: germline.
Comment: The TNNT2 c.457G>T variant is predicted to result in the amino acid substitution p.Ala153Ser. To our knowledge, this variant has not been reported in the literature. This variant is reported in 0.0058% of alleles in individuals of Latino descent in gnomAD. At this time, the clinical significance of this variant is uncertain due to the absence of conclusive functional and genetic evidence.

Ambry Genetics
Classification: Uncertain significance for Cardiovascular phenotype. Last evaluated: 2025-08-28. Review status: criteria provided, single submitter. Criteria: Ambry Variant Classification Scheme 2023. Collection method: clinical testing. Allele origin: germline.
Comment: The p.A153S variant (also known as c.457G>T), located in coding exon 9 of the TNNT2 gene, results from a G to T substitution at nucleotide position 457. The alanine at codon 153 is replaced by serine, an amino acid with similar properties. This amino acid position is conserved. In addition, the in silico prediction for this alteration is inconclusive. Since supporting evidence is limited at this time, the clinical significance of this alteration remains unclear.

Labcorp Genetics (formerly Invitae), Labcorp
Classification: Uncertain significance for Cardiomyopathy, familial restrictive, 3; Hypertrophic cardiomyopathy 2; Dilated cardiomyopathy 1D. Last evaluated: 2024-08-28. Review status: criteria provided, single submitter. Criteria: Invitae Variant Classification Sherloc (09022015). Collection method: clinical testing. Allele origin: germline.
Comment: This sequence change replaces alanine, which is neutral and non-polar, with serine, which is neutral and polar, at codon 153 of the TNNT2 protein (p.Ala153Ser). This variant is present in population databases (no rsID available, gnomAD 0.006%). This variant has not been reported in the literature in individuals affected with TNNT2-related conditions. ClinVar contains an entry for this variant (Variation ID: 961661). An algorithm developed to predict the effect of missense changes on protein structure and function (PolyPhen-2) suggests that this variant is likely to be disruptive. In summary, the available evidence is currently insufficient to determine the role of this variant in disease. Therefore, it has been classified as a Variant of Uncertain Significance.

Color Diagnostics, LLC DBA Color Health
Classification: Uncertain significance for Cardiomyopathy. Last evaluated: 2024-02-22. Review status: criteria provided, single submitter. Criteria: ACMG Guidelines, 2015. Collection method: clinical testing. Allele origin: germline.
Comment: This missense variant replaces alanine with serine at codon 153 of the TNNT2 protein. Computational prediction tools indicate that this variant has a deleterious impact on protein structure and function. To our knowledge, functional studies have not been reported for this variant. This variant has not been reported in individuals affected with TNNT2-related disorders in the literature. This variant has been identified in 2/248254 chromosomes in the general population by the Genome Aggregation Database (gnomAD). The available evidence is insufficient to determine the role of this variant in disease conclusively. Therefore, this variant is classified as a Variant of Uncertain Significance.

Genome-Nilou Lab
Classification: Uncertain significance for Dilated cardiomyopathy 1D. Last evaluated: 2023-04-11. Review status: criteria provided, single submitter. Criteria: ACMG Guidelines, 2015. Collection method: clinical testing. Allele origin: germline. Affected: no.

Genome-Nilou Lab
Classification: Uncertain significance for Cardiomyopathy, familial restrictive, 3. Last evaluated: 2023-04-11. Review status: criteria provided, single submitter. Criteria: ACMG Guidelines, 2015. Collection method: clinical testing. Allele origin: germline. Affected: no.

Genome-Nilou Lab
Classification: Uncertain significance for Hypertrophic cardiomyopathy 2. Last evaluated: 2023-04-11. Review status: criteria provided, single submitter. Criteria: ACMG Guidelines, 2015. Collection method: clinical testing. Allele origin: germline. Affected: no.

AiLife Diagnostics
Classification: Uncertain significance. Last evaluated: 2022-01-29. Review status: criteria provided, single submitter. Criteria: ACMG Guidelines, 2015. Collection method: clinical testing. Allele origin: germline. Affected: yes. Observed: 1 variant allele.

GeneDx
Classification: Uncertain significance. Last evaluated: 2019-07-02. Review status: criteria provided, single submitter. Criteria: GeneDx Variant Classification Process June 2021. Collection method: clinical testing. Allele origin: germline. Affected: yes.
Comment: Has not been previously published as pathogenic or benign to our knowledge; Not observed at a significant frequency in large population cohorts (Lek et al., 2016); Reported in ClinVar as a variant of uncertain significance (ClinVar Variant ID# 179660; Landrum et al., 2016); In silico analysis, which includes protein predictors and evolutionary conservation, supports that this variant does not alter protein structure/function